The following is an entry in ClinVar:

Conditions:
Breast-ovarian cancer, familial, susceptibility to, 1 (BROVCA1). Also called: BRCA1 Hereditary Breast and Ovarian Cancer; OVARIAN CANCER, SUSCEPTIBILITY TO. Identifiers: Orphanet 145, MedGen C2676676, MONDO:0011450, OMIM 604370. Disease mechanism: loss of function.

Submission:

Brotman Baty Institute, University of Washington
No classification provided (evidence only). Condition: Breast-ovarian cancer, familial 1. Review status: no classification provided. Collection method: in vitro. Allele origin: not applicable. Functional consequence: functionally_normal.
ClinVar note: "not provided" was previously submitted as the classification for the variant. However, the classification appeared to be based only on an observation of functional data so it was converted to no classification on 2025-07-30.

NM_007294.4(BRCA1):c.4950G>T (p.Met1650Ile)

Gene: BRCA1 (BRCA1 DNA repair associated; minus strand). Cytogenetic location: 17q21.31.
Variant type: single nucleotide variant.
Coding change: c.4950G>T on transcript NM_007294.4 (MANE Select); coding-DNA position 4950, G replaced by T.
Protein change: p.Met1650Ile; replaces methionine 1650 with isoleucine.
Molecular consequence: missense variant. On other transcripts: non-coding transcript variant (1).
Genome position (GRCh38, 1-based): chr17:43,070,964, C>A on the plus strand (G>T on the coding strand, the complement: BRCA1 is on the minus strand). VCF-style: chr17-43070964-C-A. GRCh37 (hg19) VCF-style: chr17-41222981-C-A.
Other names: c.4737G>T, p.Met1579Ile (NM_001407571.1, NM_001407894.1, NM_001407895.1 and 12 more transcripts); c.5016G>T, p.Met1672Ile (NM_001407581.1, NM_001407582.1); c.5013G>T, p.Met1671Ile (NM_001407583.1, NM_001407585.1, NM_001407587.1 and 1 more transcripts); c.5010G>T, p.Met1670Ile (NM_001407590.1, NM_001407591.1); c.4950G>T, p.Met1650Ile (NM_001407593.1, NM_001407594.1, NM_001407596.1 and 8 more transcripts); c.4947G>T, p.Met1649Ile (NM_001407620.1, NM_001407621.1, NM_001407622.1 and 17 more transcripts); c.4944G>T, p.Met1648Ile (NM_001407627.1, NM_001407628.1, NM_001407639.1 and 14 more transcripts); c.4941G>T, p.Met1647Ile (NM_001407644.1, NM_001407645.1); and 70 more; short protein forms M546I, M1650I, M1603I, M1671I, M1353I, M1521I, M1522I, M1523I.
Identifiers: ClinVar variation 865453 (VCV000865453.3), dbSNP rs2052366574, ClinGen allele CA10591621.
Genomic context (GRCh38, chr17:43,070,964, plus strand): 5'-GGAGATACATATGGATACACTCACAAATTCTTCTGGGGTCAGGCCAGACACCACCATGGA[C>A]ATTCTTTTGTTGACCCTTTCTGTTGAAGCTGTCAATTCTGGCTTCTCCCTGCTCACACTT-3'
Protein context (NP_009225.1, residues 1640-1660): TASTERVNKR[Met1650Ile]SMVVSGLTPE